The following is an entry in ClinVar:

ClinVar aggregate classification (germline): Pathogenic. Review status: criteria provided, single submitter (1 of 4 stars). 3 submissions from 3 submitters: Pathogenic (1). 2 of the submissions do not count toward it. Last evaluated 2020-09-10.

Conditions:
Intellectual developmental disorder, autosomal dominant 44, with microcephaly. Also called: Micrognathia-recurrent infections-behavioral abnormalities-mild intellectual disability syndrome; TRIO-Related Intellectual Disability. Identifiers: Orphanet 476126, MedGen C4310740, MONDO:0014892, OMIM 617061.
Intellectual developmental disorder, autosomal dominant 63, with macrocephaly. Also called: MENTAL RETARDATION, AUTOSOMAL DOMINANT 63, WITH MACROCEPHALY. Identifiers: MedGen C5394205, MONDO:0032939, OMIM 618825.

Submissions (3):

SIB Swiss Institute of Bioinformatics
Classification: Pathogenic for Intellectual developmental disorder, autosomal dominant 63, with macrocephaly. Last evaluated: 2020-09-10. Review status: criteria provided, single submitter. Criteria: ACMG Guidelines, 2015. Collection method: curation. Allele origin: unknown.
Comment: This variant is interpreted as pathogenic for Intellectual developmental disorder, autosomal dominant 63, with macrocephaly. The following ACMG Tag(s) were applied: Absent from controls (or at extremely low frequency if recessive) in Exome Sequencing Project, 1000 Genomes Project, or Exome Aggregation Consortium (PM2); De novo (paternity and maternity confirmed) (PS2); Missense variant in a gene that has a low rate of benign missense variation and in which missense variants are a common mechanism of disease (PP2); Multiple lines of computational evidence support a deleterious effect on the gene or gene product (PP3); Located in a mutational hot spot and/or critical and well-established functional domain (e.g., active site of an enzyme) without benign variation (PM1); Well-established functional studies show a deleterious effect (PS3 downgraded to moderate).

OMIM
Classification: Pathogenic for INTELLECTUAL DEVELOPMENTAL DISORDER, AUTOSOMAL DOMINANT 63, WITH MACROCEPHALY. Last evaluated: 2020-03-31. Review status: no assertion criteria provided. Collection method: literature only. Allele origin: germline. Not counted in ClinVar's aggregate classification.

GeneReviews
No classification provided. Condition: Intellectual developmental disorder, autosomal dominant 44, with microcephaly. Review status: no classification provided. Collection method: literature only. Allele origin: germline. Not counted in ClinVar's aggregate classification.

Literature cited by the submitters: PubMed 32109419 (cited by SIB Swiss Institute of Bioinformatics and OMIM); PubMed 27418539 (cited by OMIM); NCBI Bookshelf NBK447257 (cited by GeneReviews); PubMed 28796471 (cited by GeneReviews).

NM_007118.4(TRIO):c.3239A>T (p.Asn1080Ile)

Gene: TRIO (trio Rho guanine nucleotide exchange factor; plus strand). Cytogenetic location: 5p15.2.
Variant type: single nucleotide variant.
Coding change: c.3239A>T on transcript NM_007118.4 (MANE Select); coding-DNA position 3239, A replaced by T.
Protein change: p.Asn1080Ile; replaces asparagine 1080 with isoleucine.
Molecular consequence: missense variant. On other transcripts: non-coding transcript variant (1).
Genome position (GRCh38, 1-based): chr5:14,374,251, A>T. VCF-style: chr5-14374251-A-T. GRCh37 (hg19) VCF-style: chr5-14374360-A-T.
Other names: short protein forms N1080I.
Identifiers: ClinVar variation 253086 (VCV000253086.6), dbSNP rs879255628, ClinGen allele CA10586191.
Genomic context (GRCh38, chr5:14,374,251, plus strand): 5'-GTCAAATTAGCAACACATTGCTCTCCATTGTTTTTTAGGCTTGCACCCTTGCTCGGAGGA[A>T]TGCAGACGTCTTCCTGAAATACCTGCACAGGAACAGCGTGAACATGCCAGGAATGGTGAC-3'
Protein context (NP_009049.2, residues 1070-1090): FLKACTLARR[Asn1080Ile]ADVFLKYLHR